The following is an entry in ClinVar:

ClinVar aggregate classification (germline): Pathogenic (1 of 4 stars; one submission).

Conditions:
Distal myopathy with posterior leg and anterior hand involvement. Also called: WILLIAMS DISTAL MYOPATHY. Identifiers: Orphanet 63273, MedGen C3279722, MONDO:0013550, OMIM 614065.
Dilated Cardiomyopathy, Dominant.
Hypertrophic cardiomyopathy 26. Also called: Cardiomyopathy, familial hypertrophic, 26. Identifiers: Orphanet 75249, MedGen C4310749, MONDO:0014883, OMIM 617047.
Myofibrillar myopathy 5. Also called: FILAMINOPATHY, AUTOSOMAL DOMINANT; Filaminopathy (type). Identifiers: Orphanet 171445, MedGen C1836050, MONDO:0012289, OMIM 609524.

Submission:

Labcorp Genetics (formerly Invitae), Labcorp
Classification: Pathogenic for Distal myopathy with posterior leg and anterior hand involvement; Myofibrillar myopathy 5; Hypertrophic cardiomyopathy 26. Last evaluated: 2021-08-03. Review status: criteria provided, single submitter. Criteria: Invitae Variant Classification Sherloc (09022015). Collection method: clinical testing. Allele origin: germline.
Comment: For these reasons, this variant has been classified as Pathogenic. This variant has not been reported in the literature in individuals affected with FLNC-related conditions. This variant is a gross deletion of the genomic region encompassing exon(s) 25-26 of the FLNC gene. This deletion is out-of-frame, and is expected to create a premature translational stop signal and result in an absent or disrupted protein product. Loss-of-function variants in FLNC are known to be pathogenic (PMID: 27908349).

Literature cited by the submitters: PubMed 27908349.

NC_000007.13:g.(?_128487731)_(128488142_?)del

Gene: FLNC (filamin C; plus strand). Cytogenetic location: 7q32.1.
Variant type: Deletion.
Identifiers: ClinVar variation 1455469 (VCV001455469.5).